The following is an entry in ClinVar:

NM_006946.4(SPTBN2):c.5479G>A (p.Gly1827Arg)

Gene: SPTBN2 (spectrin beta, non-erythrocytic 2; minus strand). Cytogenetic location: 11q13.2.
Variant type: single nucleotide variant.
Coding change: c.5479G>A on transcript NM_006946.4 (MANE Select); coding-DNA position 5479, G replaced by A.
Protein change: p.Gly1827Arg; replaces glycine 1827 with arginine.
Molecular consequence: missense variant.
Genome position (GRCh38, 1-based): chr11:66,691,370, C>T on the plus strand (G>A on the coding strand, the complement: SPTBN2 is on the minus strand). VCF-style: chr11-66691370-C-T. GRCh37 (hg19) VCF-style: chr11-66458841-C-T.
Other names: c.5500G>A, p.Gly1834Arg (NM_001411025.1); c.5479G>A, p.Gly1827Arg (NM_001437541.1); short protein forms G1827R, G1834R.
Identifiers: ClinVar variation 4822884 (VCV004822884.4).

ClinVar aggregate classification (germline): Uncertain significance (1 of 4 stars; one submission).

gnomAD v4.1: 9 of 1,592,038 alleles (0.00057%); highest among the groups gnomAD compares: East Asian, 0.0045%; no homozygotes.

Submission:

CeGaT Center for Human Genetics Tuebingen
Classification: Uncertain significance. Last evaluated: 2026-01-01. Review status: criteria provided, single submitter. Criteria: CeGaT Center For Human Genetics Tuebingen Variant Classification Criteria Version 2. Collection method: clinical testing. Allele origin: germline. Affected: yes. Observed: 1 variant allele.
Comment: SPTBN2: PM2